The following is an entry in ClinVar:

ClinVar aggregate classification (germline): Uncertain significance (1 of 4 stars; one submission).

Allele frequency attached by ClinVar (database versions not stated): ExAC 0.00001; gnomAD 0.00001; gnomAD exomes 0.00002; TOPMed 0.00002.

Submission:

Labcorp Genetics (formerly Invitae), Labcorp
Classification: Uncertain significance. Last evaluated: 2022-10-24. Review status: criteria provided, single submitter. Criteria: Invitae Variant Classification Sherloc (09022015). Collection method: clinical testing. Allele origin: germline.
Comment: This sequence change replaces alanine, which is neutral and non-polar, with threonine, which is neutral and polar, at codon 1545 of the SPTBN2 protein (p.Ala1545Thr). This variant is present in population databases (rs779828794, gnomAD 0.007%). This variant has not been reported in the literature in individuals affected with SPTBN2-related conditions. Advanced modeling of protein sequence and biophysical properties (such as structural, functional, and spatial information, amino acid conservation, physicochemical variation, residue mobility, and thermodynamic stability) performed at Invitae indicates that this missense variant is not expected to disrupt SPTBN2 protein function. In summary, the available evidence is currently insufficient to determine the role of this variant in disease. Therefore, it has been classified as a Variant of Uncertain Significance.

NM_006946.4(SPTBN2):c.4633G>A (p.Ala1545Thr)

Gene: SPTBN2 (spectrin beta, non-erythrocytic 2; minus strand). Cytogenetic location: 11q13.2.
Variant type: single nucleotide variant.
Coding change: c.4633G>A on transcript NM_006946.4 (MANE Select); coding-DNA position 4633, G replaced by A.
Protein change: p.Ala1545Thr; replaces alanine 1545 with threonine.
Molecular consequence: missense variant.
Genome position (GRCh38, 1-based): chr11:66,693,407, C>T on the plus strand (G>A on the coding strand, the complement: SPTBN2 is on the minus strand). VCF-style: chr11-66693407-C-T. GRCh37 (hg19) VCF-style: chr11-66460878-C-T.
Other names: c.4654G>A, p.Ala1552Thr (NM_001411025.1); short protein forms A1552T, A1545T.
Identifiers: ClinVar variation 1912815 (VCV001912815.5), dbSNP rs779828794, ClinGen allele CA6128510.